The following is an entry in ClinVar:

NM_005228.5(EGFR):c.2356G>A (p.Val786Met)

Genes: EGFR-AS1 (EGFR antisense RNA 1; minus strand), EGFR (epidermal growth factor receptor; plus strand). Cytogenetic location: 7p11.2.
Variant type: single nucleotide variant.
Coding change: c.2356G>A on transcript NM_005228.5 (MANE Select); coding-DNA position 2356, G replaced by A.
Protein change: p.Val786Met; replaces valine 786 with methionine.
Molecular consequence: missense variant. On other transcripts: non-coding transcript variant (1).
Genome position (GRCh38, 1-based): chr7:55,181,365, G>A. VCF-style: chr7-55181365-G-A. GRCh37 (hg19) VCF-style: chr7-55249058-G-A.
Other names: c.2221G>A, p.Val741Met (NM_001346897.2, NM_001346899.2); c.2356G>A, p.Val786Met (NM_001346898.2); c.2197G>A, p.Val733Met (NM_001346900.2); c.1555G>A, p.Val519Met (NM_001346941.2); short protein forms V519M, V741M, V786M, V733M.
Identifiers: ClinVar variation 935267 (VCV000935267.10), dbSNP rs762672864, ClinGen allele CA4266058.

ClinVar aggregate classification (germline): Uncertain significance. Review status: criteria provided, multiple submitters, no conflicts (2 of 4 stars). 3 submissions from 3 submitters: Uncertain significance (3). Last evaluated 2026-01-29.

Conditions:
Hereditary cancer-predisposing syndrome. Also called: Tumor predisposition; Hereditary neoplastic syndrome; Hereditary Cancer Syndrome; Neoplastic Syndromes, Hereditary. Identifiers: Orphanet 140162, MedGen C0027672, MeSH D009386, MONDO:0015356.
EGFR-related lung cancer (EGFR). Identifiers: MedGen CN130014.

Allele frequency attached by ClinVar (database versions not stated): gnomAD 0.00001; TOPMed 0.00001; ExAC 0.00002; gnomAD exomes 0.00002 and 0.00003.
gnomAD v4.1: 37 of 1,614,062 alleles (0.0023%); highest among the groups gnomAD compares: East Asian, 0.0089%; no homozygotes.

Submissions (3):

Labcorp Genetics (formerly Invitae), Labcorp
Classification: Uncertain significance for EGFR-related lung cancer. Last evaluated: 2026-01-29. Review status: criteria provided, single submitter. Criteria: Invitae Variant Classification Sherloc (09022015). Collection method: clinical testing. Allele origin: germline.
Comment: This sequence change replaces valine, which is neutral and non-polar, with methionine, which is neutral and non-polar, at codon 786 of the EGFR protein (p.Val786Met). This variant is present in population databases (rs762672864, gnomAD 0.01%). This missense change has been observed in individual(s) with lung adenocarcinoma (PMID: 30610926). ClinVar contains an entry for this variant (Variation ID: 935267). Invitae Evidence Modeling of protein sequence and biophysical properties (such as structural, functional, and spatial information, amino acid conservation, physicochemical variation, residue mobility, and thermodynamic stability) indicates that this missense variant is not expected to disrupt EGFR protein function with a negative predictive value of 80%. In summary, the available evidence is currently insufficient to determine the role of this variant in disease. Therefore, it has been classified as a Variant of Uncertain Significance.

Quest Diagnostics Nichols Institute San Juan Capistrano
Classification: Uncertain significance. Last evaluated: 2025-09-07. Review status: criteria provided, single submitter. Criteria: Quest Diagnostics criteria. Collection method: clinical testing. Allele origin: unknown.
Comment: The EGFR c.2356G>A (p.Val786Met) variant has been reported in the published literature as a germline variant in an individual affected with lung adenocarcinoma (PMID: 30610926 (2019)). This variant has also been detected in tumors from patients with non-small cell lung cancer (PMID: 25498243 (2015), 24406864 (2014), 23912954 (2014), 23468851 (2013), 22760226 (2012)). The frequency of this variant in the general population (Genome Aggregation Database) is uninformative in the assessment of its pathogenicity. Analysis of this variant using bioinformatics tools for the prediction of the effect of amino acid changes on protein structure and function yielded predictions that this variant is damaging. Based on the available information, we are unable to determine the clinical significance of this variant.

Ambry Genetics
Classification: Uncertain significance for Hereditary cancer-predisposing syndrome. Last evaluated: 2025-01-13. Review status: criteria provided, single submitter. Criteria: Ambry Variant Classification Scheme 2023. Collection method: clinical testing. Allele origin: germline.
Comment: The p.V786M variant (also known as c.2356G>A), located in coding exon 20 of the EGFR gene, results from a G to A substitution at nucleotide position 2356. The valine at codon 786 is replaced by methionine, an amino acid with highly similar properties. This amino acid position is highly conserved in available vertebrate species. In addition, the in silico prediction for this alteration is inconclusive. Based on the available evidence, the clinical significance of this variant remains unclear.

Literature cited by the submitters: PubMed 30610926 (cited by Labcorp Genetics (formerly Invitae), Labcorp and Quest Diagnostics Nichols Institute San Juan Capistrano); PubMed 27153395 (cited by Quest Diagnostics Nichols Institute San Juan Capistrano); PubMed 25498243 (cited by Quest Diagnostics Nichols Institute San Juan Capistrano); PubMed 24406864 (cited by Quest Diagnostics Nichols Institute San Juan Capistrano); PubMed 23912954 (cited by Quest Diagnostics Nichols Institute San Juan Capistrano); PubMed 23468851 (cited by Quest Diagnostics Nichols Institute San Juan Capistrano); PubMed 22760226 (cited by Quest Diagnostics Nichols Institute San Juan Capistrano); PubMed 19059670 (cited by Quest Diagnostics Nichols Institute San Juan Capistrano); PubMed 18379371 (cited by Quest Diagnostics Nichols Institute San Juan Capistrano).